The following is an entry in ClinVar:

NM_003036.4(SKI):c.2143C>T (p.Pro715Ser)

Gene: SKI (SKI proto-oncogene; plus strand). Cytogenetic location: 1p36.32.
Variant type: single nucleotide variant.
Coding change: c.2143C>T on transcript NM_003036.4 (MANE Select); coding-DNA position 2143, C replaced by T.
Protein change: p.Pro715Ser; replaces proline 715 with serine.
Molecular consequence: missense variant.
Genome position (GRCh38, 1-based): chr1:2,306,721, C>T. VCF-style: chr1-2306721-C-T. GRCh37 (hg19) VCF-style: chr1-2238160-C-T.
Other names: short protein forms P715S.
Identifiers: ClinVar variation 2635934 (VCV002635934.4), dbSNP rs1640595673, ClinGen allele CA337959834.

ClinVar aggregate classification (germline): Uncertain significance. Review status: criteria provided, multiple submitters, no conflicts (2 of 4 stars). 3 submissions from 3 submitters: Uncertain significance (3). Last evaluated 2024-05-17.

Conditions:
SKI-related disorder. Also called: SKI-related condition.
Shprintzen-Goldberg syndrome (SGS). Also called: SHPRINTZEN-GOLDBERG CRANIOSYNOSTOSIS SYNDROME; Marfanoid disorder with craniosynostosis type 1; Marfanoid craniosynostosis syndrome; Shprintzen-Goldberg marfanoid syndrome; CRANIOSYNOSTOSIS WITH ARACHNODACTYLY AND ABDOMINAL HERNIAS. Identifiers: Orphanet 2462, MedGen C1321551, MONDO:0008426, OMIM 182212.

Allele frequency attached by ClinVar (database versions not stated): gnomAD exomes below 0.00001; gnomAD 0.00001.
gnomAD v4.1: 4 of 1,534,646 alleles (0.00026%); highest among the groups gnomAD compares: South Asian, 0.0012%; no homozygotes.

Submissions (3):

Labcorp Genetics (formerly Invitae), Labcorp
Classification: Uncertain significance for Shprintzen-Goldberg syndrome. Last evaluated: 2024-05-17. Review status: criteria provided, single submitter. Criteria: Invitae Variant Classification Sherloc (09022015). Collection method: clinical testing. Allele origin: germline.
Comment: This sequence change replaces proline, which is neutral and non-polar, with serine, which is neutral and polar, at codon 715 of the SKI protein (p.Pro715Ser). This variant is not present in population databases (gnomAD no frequency). This variant has not been reported in the literature in individuals affected with SKI-related conditions. ClinVar contains an entry for this variant (Variation ID: 2635934). Advanced modeling of protein sequence and biophysical properties (such as structural, functional, and spatial information, amino acid conservation, physicochemical variation, residue mobility, and thermodynamic stability) performed at Invitae indicates that this missense variant is not expected to disrupt SKI protein function with a negative predictive value of 95%. In summary, the available evidence is currently insufficient to determine the role of this variant in disease. Therefore, it has been classified as a Variant of Uncertain Significance.

Blueprint Genetics
Classification: Uncertain significance. Last evaluated: 2024-01-24. Review status: criteria provided, single submitter. Criteria: ACMG Guidelines, 2015. Collection method: clinical testing. Allele origin: germline.

PreventionGenetics, part of Exact Sciences
Classification: Uncertain significance for SKI-related condition. Last evaluated: 2023-10-08. Review status: criteria provided, single submitter. Criteria: ACMG Guidelines, 2015. Collection method: clinical testing. Allele origin: germline.
Comment: The SKI c.2143C>T variant is predicted to result in the amino acid substitution p.Pro715Ser. To our knowledge, this variant has not been reported in the literature or in a large population database, indicating this variant is rare. At this time, the clinical significance of this variant is uncertain due to the absence of conclusive functional and genetic evidence.